The following is an entry in ClinVar:

ClinVar aggregate classification (germline): Uncertain significance (1 of 4 stars; one submission).

Conditions:
Early Myoclonic Encephalopathy. Identifiers: MedGen C0270855.

Allele frequency attached by ClinVar (database versions not stated): gnomAD exomes 0.00003 and 0.00002; TOPMed 0.00001; ExAC 0.00003.
gnomAD v4.1: 34 of 1,607,176 alleles (0.0021%); highest among the groups gnomAD compares: Admixed American, 0.018%; 1 homozygote.

Submission:

Labcorp Genetics (formerly Invitae), Labcorp
Classification: Uncertain significance for Early Myoclonic Encephalopathy. Last evaluated: 2025-01-06. Review status: criteria provided, single submitter. Criteria: Invitae Variant Classification Sherloc (09022015). Collection method: clinical testing. Allele origin: germline.
Comment: This sequence change replaces isoleucine, which is neutral and non-polar, with valine, which is neutral and non-polar, at codon 1799 of the JMJD1C protein (p.Ile1799Val). This variant is present in population databases (rs779380226, gnomAD 0.01%). This variant has not been reported in the literature in individuals affected with JMJD1C-related conditions. ClinVar contains an entry for this variant (Variation ID: 664511). Invitae Evidence Modeling of protein sequence and biophysical properties (such as structural, functional, and spatial information, amino acid conservation, physicochemical variation, residue mobility, and thermodynamic stability) indicates that this missense variant is not expected to disrupt JMJD1C protein function with a negative predictive value of 80%. In summary, the available evidence is currently insufficient to determine the role of this variant in disease. Therefore, it has been classified as a Variant of Uncertain Significance.

NM_032776.3(JMJD1C):c.5395A>G (p.Ile1799Val)

Gene: JMJD1C (jumonji domain containing 1C; minus strand). Cytogenetic location: 10q21.3.
Variant type: single nucleotide variant.
Coding change: c.5395A>G on transcript NM_032776.3 (MANE Select); coding-DNA position 5395, A replaced by G.
Protein change: p.Ile1799Val; replaces isoleucine 1799 with valine.
Molecular consequence: missense variant. On other transcripts: non-coding transcript variant (1).
Genome position (GRCh38, 1-based): chr10:63,198,609, T>C on the plus strand (A>G on the coding strand, the complement: JMJD1C is on the minus strand). VCF-style: chr10-63198609-T-C. GRCh37 (hg19) VCF-style: chr10-64958369-T-C.
Other names: c.4849A>G, p.Ile1617Val (NM_001282948.2, NM_001318154.2); c.4531A>G, p.Ile1511Val (NM_001318153.2); c.5281A>G, p.Ile1761Val (NM_001322252.2); c.4738A>G, p.Ile1580Val (NM_001322254.2, NM_001322258.2); short protein forms I1511V, I1580V, I1617V, I1799V, I1761V.
Identifiers: ClinVar variation 664511 (VCV000664511.8), dbSNP rs779380226, ClinGen allele CA5518105.